The following is an entry in ClinVar:

NM_001267550.2(TTN):c.98589T>C (p.Asn32863=)

Genes: TTN (titin; minus strand), TTN-AS1 (TTN antisense RNA 1; plus strand). Cytogenetic location: 2q31.2.
Variant type: single nucleotide variant.
Coding change: c.98589T>C on transcript NM_001267550.2 (MANE Select); coding-DNA position 98589, T replaced by C.
Protein change: p.Asn32863=; no amino-acid change (asparagine 32863 retained).
Molecular consequence: synonymous variant. On other transcripts: non-coding transcript variant (1).
Genome position (GRCh38, 1-based): chr2:178,539,476, A>G on the plus strand (T>C on the coding strand, the complement: TTN is on the minus strand). VCF-style: chr2-178539476-A-G. GRCh37 (hg19) VCF-style: chr2-179404203-A-G.
Other names: c.93666T>C, p.Asn31222= (NM_001256850.1); c.71394T>C, p.Asn23798= (NM_003319.4); c.90885T>C, p.Asn30295= (NM_133378.4); c.71769T>C, p.Asn23923= (NM_133432.3); c.71970T>C, p.Asn23990= (NM_133437.4).
Identifiers: ClinVar variation 513388 (VCV000513388.7), dbSNP rs1553509474, ClinGen allele CA430240208.

ClinVar aggregate classification (germline): Likely benign. Review status: criteria provided, multiple submitters, no conflicts (2 of 4 stars). 3 submissions from 3 submitters: Likely benign (3). Last evaluated 2025-08-14.

Conditions:
Autosomal recessive limb-girdle muscular dystrophy type 2J (LGMDR10). Also called: MUSCULAR DYSTROPHY, LIMB-GIRDLE, AUTOSOMAL RECESSIVE 10; Limb-girdle muscular dystrophy, type 2J. Identifiers: Orphanet 140922, MedGen C1837342, MONDO:0012127, OMIM 608807.
Dilated cardiomyopathy 1G (CMD1G). Identifiers: Orphanet 154, MedGen C1858763, MONDO:0011400, OMIM 604145.
Cardiovascular phenotype. Identifiers: MedGen CN230736.

Allele frequency attached by ClinVar (database versions not stated): gnomAD exomes below 0.00001; TOPMed below 0.00001; gnomAD 0.00001.
gnomAD v4.1: 2 of 1,613,720 alleles (0.00012%); highest among the groups gnomAD compares: African/African-American, 0.0013%; no homozygotes.

Submissions (3):

Labcorp Genetics (formerly Invitae), Labcorp
Classification: Likely benign for Dilated cardiomyopathy 1G; Autosomal recessive limb-girdle muscular dystrophy type 2J. Last evaluated: 2025-08-14. Review status: criteria provided, single submitter. Criteria: Invitae Variant Classification Sherloc (09022015). Collection method: clinical testing. Allele origin: germline.

Ambry Genetics
Classification: Likely benign for Cardiovascular phenotype. Last evaluated: 2025-04-07. Review status: criteria provided, single submitter. Criteria: Ambry Variant Classification Scheme 2023. Collection method: clinical testing. Allele origin: germline.

GeneDx
Classification: Likely benign. Last evaluated: 2017-11-10. Review status: criteria provided, single submitter. Criteria: GeneDx Variant Classification (06012015). Collection method: clinical testing. Allele origin: germline. Affected: yes.
Comment: This variant is considered likely benign or benign based on one or more of the following criteria: it is a conservative change, it occurs at a poorly conserved position in the protein, it is predicted to be benign by multiple in silico algorithms, and/or has population frequency not consistent with disease.